The following is an entry in ClinVar:

ClinVar aggregate classification (germline): Benign. Review status: criteria provided, multiple submitters, no conflicts (2 of 4 stars). 4 submissions from 3 submitters: Benign (4). Last evaluated 2019-06-27.

Conditions:
Holoprosencephaly 7 (HPE7). Identifiers: Orphanet 2162, MedGen C1835820, MONDO:0012562, OMIM 610828.
Gorlin syndrome. Also called: Basal cell nevus syndrome; Nevoid Basal Cell Carcinoma Syndrome. Identifiers: Orphanet 377, MedGen C0004779, MONDO:0007187.

Allele frequency attached by ClinVar (database versions not stated): gnomAD 0.02824; TOPMed 0.03025; 1000 Genomes Project 0.03135; 1000 Genomes Project 30x 0.03404.

Submissions (4):

GeneDx
Classification: Benign. Last evaluated: 2019-06-27. Review status: criteria provided, single submitter. Criteria: GeneDx Variant Classification Process June 2021. Collection method: clinical testing. Allele origin: germline. Affected: yes.

Illumina Laboratory Services, Illumina
Classification: Benign for Holoprosencephaly 7. Last evaluated: 2018-01-13. Review status: criteria provided, single submitter. Criteria: ICSL Variant Classification Criteria 13 December 2019. Collection method: clinical testing. Allele origin: germline.
Comment: This variant was observed in the ICSL laboratory as part of a predisposition screen in an ostensibly healthy population. It had not been previously curated by ICSL or reported in the Human Gene Mutation Database (HGMD: prior to June 1st, 2018), and was therefore a candidate for classification through an automated scoring system. Utilizing variant allele frequency, disease prevalence and penetrance estimates, and inheritance mode, an automated score was calculated to assess if this variant is too frequent to cause the disease. Based on the score and internal cut-off values, a variant classified as benign is not then subjected to further curation. The score for this variant resulted in a classification of benign for this disease.

Illumina Laboratory Services, Illumina
Classification: Benign for Basal cell nevus syndrome 1. Last evaluated: 2018-01-13. Review status: criteria provided, single submitter. Criteria: ICSL Variant Classification Criteria 13 December 2019. Collection method: clinical testing. Allele origin: germline.
Comment: the same text as in the submission from Illumina Laboratory Services, Illumina above.

Breakthrough Genomics
Classification: Benign. Review status: criteria provided, single submitter. Criteria: ACMG Guidelines, 2015. Collection method: not provided. Allele origin: germline. Inheritance: Autosomal dominant inheritance. Affected: yes.

NM_000264.5(PTCH1):c.*1702C>T

Gene: PTCH1 (patched 1; minus strand). Cytogenetic location: 9q22.32.
Variant type: single nucleotide variant.
Coding change: c.*1702C>T on transcript NM_000264.5 (MANE Select); 1702 bases downstream of the stop codon, C replaced by T.
Molecular consequence: 3 prime UTR variant. On other transcripts: non-coding transcript variant (1).
Genome position (GRCh38, 1-based): chr9:95,444,691, G>A on the plus strand (C>T on the coding strand, the complement: PTCH1 is on the minus strand). VCF-style: chr9-95444691-G-A. GRCh37 (hg19) VCF-style: chr9-98206973-G-A.
Other names: c.*1702C>T (NM_001083602.3, NM_001083603.3, NM_001083604.3 and 4 more transcripts).
Identifiers: ClinVar variation 367640 (VCV000367640.8), dbSNP rs115675849, ClinGen allele CA10634174.